The following is an entry in ClinVar:

NM_006017.3(PROM1):c.1767+1G>A

Gene: PROM1 (prominin 1; minus strand). Cytogenetic location: 4p15.32.
Variant type: single nucleotide variant.
Coding change: c.1767+1G>A on transcript NM_006017.3 (MANE Select); the canonical splice donor site of the intron after coding-DNA position 1767, G replaced by A.
Molecular consequence: splice donor variant.
Genome position (GRCh38, 1-based): chr4:15,993,986, C>T on the plus strand (G>A on the coding strand, the complement: PROM1 is on the minus strand). VCF-style: chr4-15993986-C-T. GRCh37 (hg19) VCF-style: chr4-15995609-C-T.
Other names: c.1740+1G>A (NM_001145848.2, NM_001145852.2, NM_001145847.2 and 4 more transcripts); c.1767+1G>A (NM_001145850.2, NM_001145849.2).
Identifiers: ClinVar variation 1349770 (VCV001349770.8), dbSNP rs1464894081, ClinGen allele CA356431221.

ClinVar aggregate classification (germline): Likely pathogenic (1 of 4 stars; one submission).

Allele frequency attached by ClinVar (database versions not stated): gnomAD exomes below 0.00001.
gnomAD v4.1: 2 of 1,613,158 alleles (0.00012%); highest among the groups gnomAD compares: Admixed American, 0.0033%; no homozygotes.

Submission:

Labcorp Genetics (formerly Invitae), Labcorp
Classification: Likely pathogenic. Last evaluated: 2023-08-17. Review status: criteria provided, single submitter. Criteria: Invitae Variant Classification Sherloc (09022015). Collection method: clinical testing. Allele origin: germline.
Comment: In summary, the currently available evidence indicates that the variant is pathogenic, but additional data are needed to prove that conclusively. Therefore, this variant has been classified as Likely Pathogenic. Algorithms developed to predict the effect of sequence changes on RNA splicing suggest that this variant may disrupt the consensus splice site. ClinVar contains an entry for this variant (Variation ID: 1349770). Disruption of this splice site has been observed in individual(s) with clinical features of autosomal recessive cone-rod dystrophy (PMID: 35951719; Invitae). This variant is present in population databases (no rsID available, gnomAD 0.006%). This sequence change affects a donor splice site in intron 15 of the PROM1 gene. It is expected to disrupt RNA splicing. Variants that disrupt the donor or acceptor splice site typically lead to a loss of protein function (PMID: 16199547), and loss-of-function variants in PROM1 are known to be pathogenic (PMID: 17605048, 19718270, 24154662, 25474345).

Literature cited by the submitters: PubMed 35951719; PubMed 16199547; PubMed 17605048; PubMed 19718270; PubMed 24154662; PubMed 25474345.